The following is an entry in ClinVar:

NM_000038.6(APC):c.2094A>T (p.Leu698Phe)

Gene: APC (APC regulator of Wnt signaling pathway; plus strand). Cytogenetic location: 5q22.2.
Variant type: single nucleotide variant.
Coding change: c.2094A>T on transcript NM_000038.6 (MANE Select); coding-DNA position 2094, A replaced by T.
Protein change: p.Leu698Phe; replaces leucine 698 with phenylalanine.
Molecular consequence: missense variant.
Genome position (GRCh38, 1-based): chr5:112,837,688, A>T. VCF-style: chr5-112837688-A-T. GRCh37 (hg19) VCF-style: chr5-112173385-A-T.
Other names: c.2094A>T, p.Leu698Phe (NM_001127510.3, NM_001354895.2); c.2040A>T, p.Leu680Phe (NM_001127511.3); c.2148A>T, p.Leu716Phe (NM_001354896.2); c.2124A>T, p.Leu708Phe (NM_001354897.2); c.2019A>T, p.Leu673Phe (NM_001354898.2); c.2010A>T, p.Leu670Phe (NM_001354899.2); c.1971A>T, p.Leu657Phe (NM_001354900.2); c.1917A>T, p.Leu639Phe (NM_001354901.2); and 5 more; short protein forms L698F, L680F, L415F, L538F, L670F, L716F, L597F, L607F.
Identifiers: ClinVar variation 566554 (VCV000566554.11), dbSNP rs1426881729, ClinGen allele CA16025903.
Genomic context (GRCh38, chr5:112,837,688, plus strand): 5'-TAATGCATGTGGAACTTTGTGGAATCTCTCAGCAAGAAATCCTAAAGACCAGGAAGCATT[A>T]TGGGACATGGGGGCAGTTAGCATGCTCAAGAACCTCATTCATTCAAAGCACAAAATGATT-3'
Protein context (NP_000029.2, residues 688-708): SARNPKDQEA[Leu698Phe]WDMGAVSMLK

ClinVar aggregate classification (germline): Uncertain significance. Review status: criteria provided, multiple submitters, no conflicts (2 of 4 stars). 2 submissions from 2 submitters: Uncertain significance (2). Last evaluated 2026-06-10.

Conditions:
Familial adenomatous polyposis 1 (FAP1). Also called: FAMILIAL ADENOMATOUS POLYPOSIS 1, ATTENUATED; POLYPOSIS, ADENOMATOUS INTESTINAL. Identifiers: MedGen C2713442, MONDO:0021056, OMIM 175100. Disease mechanism: loss of function.
Hereditary cancer-predisposing syndrome. Also called: Tumor predisposition; Hereditary Cancer Syndrome; Neoplastic Syndromes, Hereditary; Hereditary neoplastic syndrome. Identifiers: Orphanet 140162, MedGen C0027672, MeSH D009386, MONDO:0015356.

Allele frequency attached by ClinVar (database versions not stated): gnomAD exomes 0.00001.
gnomAD v4.1: 2 of 1,614,206 alleles (0.00012%); highest among the groups gnomAD compares: Non-Finnish European, 0.00017%; no homozygotes.

Submissions (2):

Ambry Genetics
Classification: Uncertain significance for Hereditary cancer-predisposing syndrome. Last evaluated: 2026-06-10. Review status: criteria provided, single submitter. Criteria: Ambry Variant Classification Scheme 2023. Collection method: clinical testing. Allele origin: germline.
Comment: The p.L698F variant (also known as c.2094A>T), located in coding exon 15 of the APC gene, results from an A to T substitution at nucleotide position 2094. The leucine at codon 698 is replaced by phenylalanine, an amino acid with highly similar properties. This amino acid position is conserved. In addition, in silico predictors for this gene do not accurately predict pathogenicity. Based on the available evidence, the clinical significance of this variant remains unclear.

Labcorp Genetics (formerly Invitae), Labcorp
Classification: Uncertain significance for Familial adenomatous polyposis 1. Last evaluated: 2018-03-24. Review status: criteria provided, single submitter. Criteria: Invitae Variant Classification Sherloc (09022015). Collection method: clinical testing. Allele origin: germline.
Comment: In summary, the available evidence is currently insufficient to determine the role of this variant in disease. Therefore, it has been classified as a Variant of Uncertain Significance. Algorithms developed to predict the effect of missense changes on protein structure and function do not agree on the potential impact of this missense change (SIFT: "Deleterious"; PolyPhen-2: "Probably Damaging"; Align-GVGD: "Class C15"). This variant has not been reported in the literature in individuals with APC-related disease. This variant is not present in population databases (ExAC no frequency). This sequence change replaces leucine with phenylalanine at codon 698 of the APC protein (p.Leu698Phe). The leucine residue is highly conserved and there is a small physicochemical difference between leucine and phenylalanine.